The following is an entry in ClinVar:

ClinVar aggregate classification (germline): Benign/Likely benign. Review status: criteria provided, multiple submitters, no conflicts (2 of 4 stars). 2 submissions from 2 submitters: Benign (1); Likely benign (1). Last evaluated 2026-09-01.

Allele frequency attached by ClinVar (database versions not stated): 1000 Genomes Project 0.00379; 1000 Genomes Project 30x 0.00422; TOPMed 0.01215; gnomAD 0.01296 and 0.01351.

Submissions (2):

CeGaT Center for Human Genetics Tuebingen
Classification: Benign. Last evaluated: 2026-09-01. Review status: criteria provided, single submitter. Criteria: CeGaT Center For Human Genetics Tuebingen Variant Classification Criteria Version 2. Collection method: clinical testing. Allele origin: germline. Affected: yes. Observed: 49 variant alleles.
Comment: MRE11: BS1, BS2

GeneDx
Classification: Likely benign. Last evaluated: 2018-07-20. Review status: criteria provided, single submitter. Criteria: GeneDx Variant Classification Process June 2021. Collection method: clinical testing. Allele origin: germline. Affected: yes.

NM_005591.4(MRE11):c.153+254A>G

Gene: MRE11 (MRE11 double strand break repair nuclease; minus strand). Cytogenetic location: 11q21.
Variant type: single nucleotide variant.
Coding change: c.153+254A>G on transcript NM_005591.4 (MANE Select); 254 bases into the intron after coding-DNA position 153, A replaced by G.
Molecular consequence: intron variant.
Genome position (GRCh38, 1-based): chr11:94,490,579, T>C on the plus strand (A>G on the coding strand, the complement: MRE11 is on the minus strand). VCF-style: chr11-94490579-T-C. GRCh37 (hg19) VCF-style: chr11-94223745-T-C.
Other names: c.153+254A>G (NM_001330347.2, NM_005590.4).
Identifiers: ClinVar variation 1196340 (VCV001196340.10), dbSNP rs72980413, ClinGen allele CA226544447.